The following is an entry in ClinVar:

NM_002691.4(POLD1):c.218C>T (p.Ser73Leu)

Gene: POLD1 (DNA polymerase delta 1, catalytic subunit; plus strand). Cytogenetic location: 19q13.33.
Variant type: single nucleotide variant.
Coding change: c.218C>T on transcript NM_002691.4 (MANE Select); coding-DNA position 218, C replaced by T.
Protein change: p.Ser73Leu; replaces serine 73 with leucine.
Molecular consequence: missense variant. On other transcripts: non-coding transcript variant (1).
Genome position (GRCh38, 1-based): chr19:50,399,386, C>T. VCF-style: chr19-50399386-C-T. GRCh37 (hg19) VCF-style: chr19-50902643-C-T.
Other names: c.218C>T, p.Ser73Leu (NM_001256849.1, NM_001308632.1); short protein forms S73L.
Identifiers: ClinVar variation 638995 (VCV000638995.11), dbSNP rs1601190393, ClinGen allele CA406970406.

ClinVar aggregate classification (germline): Uncertain significance. Review status: criteria provided, multiple submitters, no conflicts (2 of 4 stars). 2 submissions from 2 submitters: Uncertain significance (2). Last evaluated 2021-11-03.

Conditions:
POLD1-related polyposis and colorectal cancer syndrome (CRCS10). Also called: Colorectal cancer, susceptibility to, 10; Colorectal cancer 10; COLORECTAL CANCER, SUSCEPTIBILITY TO, ON CHROMOSOME 19q. Identifiers: Orphanet 220460, MedGen C2675481, MONDO:0012953, OMIM 612591.

Submissions (2):

Institute for Clinical Genetics, University Hospital TU Dresden, University Hospital TU Dresden
Classification: Uncertain significance. Last evaluated: 2021-11-03. Review status: criteria provided, single submitter. Criteria: ACMG Guidelines, 2015. Collection method: clinical testing. Allele origin: germline.

Labcorp Genetics (formerly Invitae), Labcorp
Classification: Uncertain significance for POLD1-related polyposis and colorectal cancer syndrome. Last evaluated: 2018-09-03. Review status: criteria provided, single submitter. Criteria: Invitae Variant Classification Sherloc (09022015). Collection method: clinical testing. Allele origin: germline.
Comment: This sequence change replaces serine with leucine at codon 73 of the POLD1 protein (p.Ser73Leu). The serine residue is weakly conserved and there is a large physicochemical difference between serine and leucine. In summary, the available evidence is currently insufficient to determine the role of this variant in disease. Therefore, it has been classified as a Variant of Uncertain Significance. Algorithms developed to predict the effect of missense changes on protein structure and function (SIFT, PolyPhen-2, Align-GVGD) all suggest that this variant is likely to be tolerated, but these predictions have not been confirmed by published functional studies and their clinical significance is uncertain. This variant has not been reported in the literature in individuals with POLD1-related disease. This variant is not present in population databases (ExAC no frequency).